The following is an entry in ClinVar:

NM_007118.4(TRIO):c.3415C>T (p.Gln1139Ter)

Gene: TRIO (trio Rho guanine nucleotide exchange factor; plus strand). Cytogenetic location: 5p15.2.
Variant type: single nucleotide variant.
Coding change: c.3415C>T on transcript NM_007118.4 (MANE Select); coding-DNA position 3415, C replaced by T.
Protein change: p.Gln1139Ter; replaces glutamine 1139 with a stop codon.
Molecular consequence: nonsense. On other transcripts: non-coding transcript variant (1).
Genome position (GRCh38, 1-based): chr5:14,378,095, C>T. VCF-style: chr5-14378095-C-T. GRCh37 (hg19) VCF-style: chr5-14378204-C-T.
Other names: short protein forms Q1139*.
Identifiers: ClinVar variation 1334359 (VCV001334359.2), dbSNP rs2152351208, ClinGen allele CA359220794.

ClinVar aggregate classification (germline): Pathogenic (1 of 4 stars; one submission).

Submission:

GeneDx
Classification: Pathogenic. Last evaluated: 2022-01-08. Review status: criteria provided, single submitter. Criteria: GeneDx Variant Classification Process June 2021. Collection method: clinical testing. Allele origin: germline. Affected: yes.
Comment: Nonsense variant predicted to result in protein truncation or nonsense mediated decay in a gene for which loss-of-function is a known mechanism of disease; Not observed in large population cohorts (gnomAD); Has not been previously published as pathogenic or benign to our knowledge